The following is an entry in ClinVar:

NM_002907.4(RECQL):c.115A>T (p.Lys39Ter)

Gene: RECQL (RecQ like helicase; minus strand). Cytogenetic location: 12p12.1.
Variant type: single nucleotide variant.
Coding change: c.115A>T on transcript NM_002907.4 (MANE Select); coding-DNA position 115, A replaced by T.
Protein change: p.Lys39Ter; replaces lysine 39 with a stop codon.
Molecular consequence: nonsense.
Genome position (GRCh38, 1-based): chr12:21,491,618, T>A on the plus strand (A>T on the coding strand, the complement: RECQL is on the minus strand). VCF-style: chr12-21491618-T-A. GRCh37 (hg19) VCF-style: chr12-21644552-T-A.
Other names: c.115A>T, p.Lys39Ter (NM_032941.3); short protein forms K39*.
Identifiers: ClinVar variation 3222924 (VCV003222924.1), dbSNP rs765195543, ClinGen allele CA384134528.

ClinVar aggregate classification (germline): Uncertain significance (1 of 4 stars; one submission).

Submission:

Ambry Genetics
Classification: Uncertain significance. Last evaluated: 2023-10-03. Review status: criteria provided, single submitter. Criteria: Ambry Variant Classification Scheme 2023. Collection method: clinical testing. Allele origin: germline.
Comment: The p.K39* variant (also known as c.115A>T), located in coding exon 2 of the RECQL gene, results from an A to T substitution at nucleotide position 115. This changes the amino acid from a lysine to a stop codon within coding exon 2. The predicted stop codon occurs in the 5&rsquo; end of theRECQL gene. Premature termination codons in the 5&rsquo; end of a gene have been reported to escape nonsense-mediated mRNAdecay and/or lead to re-initiation (Rivas et al. Science. 2015 May 8;348(6235):666-9; Lindeboom et al. Nat Genet. 2016 Oct;48(10):1112-8; Rhee et al. Sci Rep. 2017 May 10;7(1):1653). The exact functional effect of this alteration is unknown. The evidence for this gene-disease relationship is limited; therefore, the clinical significance of this alteration is unclear.